The following is an entry in ClinVar:

NM_024721.5(ZFHX4):c.9339C>G (p.Asn3113Lys)

Gene: ZFHX4 (zinc finger homeobox 4; plus strand). Cytogenetic location: 8q21.13.
Variant type: single nucleotide variant.
Coding change: c.9339C>G on transcript NM_024721.5 (MANE Select); coding-DNA position 9339, C replaced by G.
Protein change: p.Asn3113Lys; replaces asparagine 3113 with lysine.
Molecular consequence: missense variant.
Genome position (GRCh38, 1-based): chr8:76,856,260, C>G. VCF-style: chr8-76856260-C-G. GRCh37 (hg19) VCF-style: chr8-77768496-C-G.
Other names: c.9261C>G, p.Asn3087Lys (NM_001410934.1); short protein forms N3087K, N3113K.
Identifiers: ClinVar variation 2367036 (VCV002367036.5), dbSNP rs201964276, ClinGen allele CA4788334.

ClinVar aggregate classification (germline): Conflicting classifications of pathogenicity. Review status: criteria provided, conflicting classifications (1 of 4 stars). 3 submissions from 3 submitters: Uncertain significance (1); Likely benign (2). Last evaluated 2026-06-01.

Conditions:
ZFHX4-related disorder. Also called: ZFHX4-related condition.

Allele frequency attached by ClinVar (database versions not stated): gnomAD 0.00010; 1000 Genomes Project 30x 0.00016; ExAC 0.00016; 1000 Genomes Project 0.00020.
gnomAD v4.1: 127 of 1,613,896 alleles (0.0079%); highest among the groups gnomAD compares: Admixed American, 0.092%; no homozygotes.

Submissions (3):

CeGaT Center for Human Genetics Tuebingen
Classification: Likely benign. Last evaluated: 2026-06-01. Review status: criteria provided, single submitter. Criteria: CeGaT Center For Human Genetics Tuebingen Variant Classification Criteria Version 2. Collection method: clinical testing. Allele origin: germline. Affected: yes. Observed: 1 variant allele.
Comment: ZFHX4: BS2

PreventionGenetics, part of Exact Sciences
Classification: Likely benign for ZFHX4-related condition. Last evaluated: 2025-03-29. Review status: criteria provided, single submitter. Criteria: ACMG Guidelines, 2015. Collection method: clinical testing. Allele origin: germline.
Comment: This variant is classified as likely benign based on ACMG/AMP sequence variant interpretation guidelines (Richards et al. 2015 PMID: 25741868, with internal and published modifications).

Ambry Genetics
Classification: Uncertain significance. Last evaluated: 2024-01-24. Review status: criteria provided, single submitter. Criteria: Ambry Variant Classification Scheme 2023. Collection method: clinical testing. Allele origin: germline.